The following is an entry in ClinVar:

ClinVar aggregate classification (germline): Uncertain significance (1 of 4 stars; one submission).

Allele frequency attached by ClinVar (database versions not stated): TOPMed below 0.00001; ExAC 0.00001; gnomAD 0.00001.
gnomAD v4.1: 7 of 1,611,458 alleles (0.00043%); highest among the groups gnomAD compares: Non-Finnish European, 0.00051%; no homozygotes.

Submission:

Labcorp Genetics (formerly Invitae), Labcorp
Classification: Uncertain significance. Last evaluated: 2024-01-24. Review status: criteria provided, single submitter. Criteria: Invitae Variant Classification Sherloc (09022015). Collection method: clinical testing. Allele origin: germline.
Comment: This sequence change replaces threonine, which is neutral and polar, with isoleucine, which is neutral and non-polar, at codon 567 of the EYS protein (p.Thr567Ile). This variant is present in population databases (rs755903446, gnomAD 0.003%). This variant has not been reported in the literature in individuals affected with EYS-related conditions. ClinVar contains an entry for this variant (Variation ID: 2141970). Algorithms developed to predict the effect of missense changes on protein structure and function output the following: SIFT: "Not Available"; PolyPhen-2: "Benign"; Align-GVGD: "Not Available". The isoleucine amino acid residue is found in multiple mammalian species, which suggests that this missense change does not adversely affect protein function. In summary, the available evidence is currently insufficient to determine the role of this variant in disease. Therefore, it has been classified as a Variant of Uncertain Significance.

NM_001142800.2(EYS):c.1700C>T (p.Thr567Ile)

Gene: EYS (EGF-like photoreceptor maintenance factor; minus strand). Cytogenetic location: 6q12.
Variant type: single nucleotide variant.
Coding change: c.1700C>T on transcript NM_001142800.2 (MANE Select); coding-DNA position 1700, C replaced by T.
Protein change: p.Thr567Ile; replaces threonine 567 with isoleucine.
Molecular consequence: missense variant.
Genome position (GRCh38, 1-based): chr6:65,335,046, G>A on the plus strand (C>T on the coding strand, the complement: EYS is on the minus strand). VCF-style: chr6-65335046-G-A. GRCh37 (hg19) VCF-style: chr6-66044939-G-A.
Other names: c.1700C>T, p.Thr567Ile (NM_001142801.2, NM_001292009.2, NM_198283.2); short protein forms T567I.
Identifiers: ClinVar variation 2141970 (VCV002141970.4), dbSNP rs755903446, ClinGen allele CA3877642.
Genomic context (GRCh38, chr6:65,335,046, plus strand): 5'-CTATTAATTTCATCTTTACAAACAGCTTCATGTTGACACTCATTTTCTTGATCATCAGTT[G>A]TATTTTCCAGATACATGTTGCCAGCCCATCTGAGAAAACATAGATACCGATATTCCTGAC-3'
Protein context (NP_001136272.1, residues 557-577): RWAGNMYLEN[Thr567Ile]TDDQENECQH